The following is an entry in ClinVar:

NM_001042492.3(NF1):c.284C>G (p.Ala95Gly)

Gene: NF1 (neurofibromin 1; plus strand). Cytogenetic location: 17q11.2.
Variant type: single nucleotide variant.
Coding change: c.284C>G on transcript NM_001042492.3 (MANE Select); coding-DNA position 284, C replaced by G.
Protein change: p.Ala95Gly; replaces alanine 95 with glycine.
Molecular consequence: missense variant.
Genome position (GRCh38, 1-based): chr17:31,159,089, C>G. VCF-style: chr17-31159089-C-G. GRCh37 (hg19) VCF-style: chr17-29486107-C-G.
Other names: c.284C>G, p.Ala95Gly (NM_000267.4, NM_001128147.3); short protein forms A95G.
Identifiers: ClinVar variation 821901 (VCV000821901.12), dbSNP rs1567816119, ClinGen allele CA398989880.

ClinVar aggregate classification (germline): Uncertain significance. Review status: criteria provided, multiple submitters, no conflicts (2 of 4 stars). 3 submissions from 3 submitters: Uncertain significance (3). Last evaluated 2024-09-19.

Conditions:
Neurofibromatosis, type 1 (NF1). Also called: Peripheral type neurofibromatosis; Neurofibromatosis, type I; NEUROFIBROMATOSIS, TYPE I, SOMATIC; VON RECKLINGHAUSEN DISEASE. Identifiers: Orphanet 636, MedGen C0027831, MONDO:0018975, OMIM 162200. Disease mechanism: loss of function.
Hereditary cancer-predisposing syndrome. Also called: Hereditary Cancer Syndrome; Neoplastic Syndromes, Hereditary; Hereditary neoplastic syndrome; Tumor predisposition. Identifiers: Orphanet 140162, MedGen C0027672, MeSH D009386, MONDO:0015356.
Cardiovascular phenotype. Identifiers: MedGen CN230736.

Submissions (3):

Labcorp Genetics (formerly Invitae), Labcorp
Classification: Uncertain significance for Neurofibromatosis, type 1. Last evaluated: 2024-09-19. Review status: criteria provided, single submitter. Criteria: Invitae Variant Classification Sherloc (09022015). Collection method: clinical testing. Allele origin: germline.
Comment: This sequence change replaces alanine, which is neutral and non-polar, with glycine, which is neutral and non-polar, at codon 95 of the NF1 protein (p.Ala95Gly). This variant is not present in population databases (gnomAD no frequency). This variant has not been reported in the literature in individuals affected with NF1-related conditions. ClinVar contains an entry for this variant (Variation ID: 821901). Invitae Evidence Modeling of protein sequence and biophysical properties (such as structural, functional, and spatial information, amino acid conservation, physicochemical variation, residue mobility, and thermodynamic stability) indicates that this missense variant is expected to disrupt NF1 protein function with a positive predictive value of 95%. In summary, the available evidence is currently insufficient to determine the role of this variant in disease. Therefore, it has been classified as a Variant of Uncertain Significance.

Genome-Nilou Lab
Classification: Uncertain significance for Neurofibromatosis, type 1. Last evaluated: 2022-03-15. Review status: criteria provided, single submitter. Criteria: ACMG Guidelines, 2015. Collection method: clinical testing. Allele origin: germline. Affected: no.

Ambry Genetics
Classification: Uncertain significance for Cardiovascular phenotype; Hereditary cancer-predisposing syndrome. Last evaluated: 2018-10-16. Review status: criteria provided, single submitter. Criteria: Ambry Variant Classification Scheme 2023. Collection method: clinical testing. Allele origin: germline.
Comment: The p.A95G variant (also known as c.284C>G), located in coding exon 3 of the NF1 gene, results from a C to G substitution at nucleotide position 284. The alanine at codon 95 is replaced by glycine, an amino acid with similar properties. This amino acid position is highly conserved in available vertebrate species. In addition, the in silico prediction for this alteration is inconclusive. Since supporting evidence is limited at this time, the clinical significance of this alteration remains unclear.